The following is an entry in ClinVar:

ClinVar aggregate classification (germline): Uncertain significance (1 of 4 stars; one submission).

Allele frequency attached by ClinVar (database versions not stated): ExAC 0.00001.
gnomAD v4.1: 10 of 1,613,902 alleles (0.00062%); highest among the groups gnomAD compares: Admixed American, 0.0083%; no homozygotes.

Submission:

Labcorp Genetics (formerly Invitae), Labcorp
Classification: Uncertain significance. Last evaluated: 2025-09-08. Review status: criteria provided, single submitter. Criteria: Invitae Variant Classification Sherloc (09022015). Collection method: clinical testing. Allele origin: germline.
Comment: This sequence change replaces glycine, which is neutral and non-polar, with aspartic acid, which is acidic and polar, at codon 2002 of the CELSR2 protein (p.Gly2002Asp). This variant is present in population databases (rs746541428, gnomAD 0.009%). This variant has not been reported in the literature in individuals affected with CELSR2-related conditions. ClinVar contains an entry for this variant (Variation ID: 2983249). Invitae Evidence Modeling of protein sequence and biophysical properties (such as structural, functional, and spatial information, amino acid conservation, physicochemical variation, residue mobility, and thermodynamic stability) has been performed for this missense variant. However, the output from this modeling did not meet the statistical confidence thresholds required to predict the impact of this variant on CELSR2 protein function. In summary, the available evidence is currently insufficient to determine the role of this variant in disease. Therefore, it has been classified as a Variant of Uncertain Significance.

NM_001408.3(CELSR2):c.6005G>A (p.Gly2002Asp)

Gene: CELSR2 (cadherin EGF LAG seven-pass G-type receptor 2; plus strand). Cytogenetic location: 1p13.3.
Variant type: single nucleotide variant.
Coding change: c.6005G>A on transcript NM_001408.3 (MANE Select); coding-DNA position 6005, G replaced by A.
Protein change: p.Gly2002Asp; replaces glycine 2002 with aspartic acid.
Molecular consequence: missense variant.
Genome position (GRCh38, 1-based): chr1:109,266,198, G>A. VCF-style: chr1-109266198-G-A. GRCh37 (hg19) VCF-style: chr1-109808820-G-A.
Other names: short protein forms G2002D.
Identifiers: ClinVar variation 2983249 (VCV002983249.3), dbSNP rs746541428, ClinGen allele CA987716.